The following is an entry in ClinVar:

ClinVar aggregate classification (germline): Uncertain significance (1 of 4 stars; one submission).

Submission:

GeneDx
Classification: Uncertain significance. Last evaluated: 2024-07-31. Review status: criteria provided, single submitter. Criteria: GeneDx Variant Classification Process June 2021. Collection method: clinical testing. Allele origin: germline. Affected: yes.
Comment: Has not been previously published as pathogenic or benign to our knowledge; Not observed at significant frequency in large population cohorts (gnomAD); In silico analysis indicates that this missense variant does not alter protein structure/function

NM_004415.4(DSP):c.8307C>G (p.Ser2769Arg)

Gene: DSP (desmoplakin; plus strand). Cytogenetic location: 6p24.3.
Variant type: single nucleotide variant.
Coding change: c.8307C>G on transcript NM_004415.4 (MANE Select); coding-DNA position 8307, C replaced by G.
Protein change: p.Ser2769Arg; replaces serine 2769 with arginine.
Molecular consequence: missense variant.
Genome position (GRCh38, 1-based): chr6:7,585,569, C>G. VCF-style: chr6-7585569-C-G. GRCh37 (hg19) VCF-style: chr6-7585802-C-G.
Other names: c.6510C>G, p.Ser2170Arg (NM_001008844.3); c.6978C>G, p.Ser2326Arg (NM_001319034.2); short protein forms S2170R, S2326R, S2769R.
Identifiers: ClinVar variation 3602445 (VCV003602445.1).